The following is an entry in ClinVar:

NM_018127.7(ELAC2):c.668A>G (p.His223Arg)

Gene: ELAC2 (elaC ribonuclease Z 2; minus strand). Cytogenetic location: 17p12.
Variant type: single nucleotide variant.
Coding change: c.668A>G on transcript NM_018127.7 (MANE Select); coding-DNA position 668, A replaced by G.
Protein change: p.His223Arg; replaces histidine 223 with arginine.
Molecular consequence: missense variant. On other transcripts: intron variant (1).
Genome position (GRCh38, 1-based): chr17:13,011,674, T>C on the plus strand (A>G on the coding strand, the complement: ELAC2 is on the minus strand). VCF-style: chr17-13011674-T-C. GRCh37 (hg19) VCF-style: chr17-12914991-T-C.
Other names: c.668A>G, p.His223Arg (NM_173717.2); c.560-1003A>G (NM_001165962.2); c.668A>G (NM_018127.6); short protein forms H223R.
Identifiers: ClinVar variation 1372001 (VCV001372001.4), dbSNP rs745937151, ClinGen allele CA8401567.

ClinVar aggregate classification (germline): Uncertain significance. Review status: criteria provided, multiple submitters, no conflicts (2 of 4 stars). 2 submissions from 2 submitters: Uncertain significance (2). Last evaluated 2025-02-28.

Conditions:
Combined oxidative phosphorylation defect type 17. Also called: Combined oxidative phosphorylation deficiency 17. Identifiers: Orphanet 369913, MedGen C3809526, MONDO:0014190, OMIM 615440.
Inborn genetic diseases. Identifiers: MedGen C0950123, MeSH D030342.

Allele frequency attached by ClinVar (database versions not stated): gnomAD exomes 0.00002; ExAC 0.00001; gnomAD 0.00001.
gnomAD v4.1: 31 of 1,614,086 alleles (0.0019%); highest among the groups gnomAD compares: Non-Finnish European, 0.0024%; no homozygotes.

Submissions (2):

Ambry Genetics
Classification: Uncertain significance for Inborn genetic diseases. Last evaluated: 2025-02-28. Review status: criteria provided, single submitter. Criteria: Ambry Variant Classification Scheme 2023. Collection method: clinical testing. Allele origin: germline.

Labcorp Genetics (formerly Invitae), Labcorp
Classification: Uncertain significance for Combined oxidative phosphorylation defect type 17. Last evaluated: 2022-04-07. Review status: criteria provided, single submitter. Criteria: Invitae Variant Classification Sherloc (09022015). Collection method: clinical testing. Allele origin: germline.
Comment: This sequence change replaces histidine, which is basic and polar, with arginine, which is basic and polar, at codon 223 of the ELAC2 protein (p.His223Arg). This variant is present in population databases (rs745937151, gnomAD 0.005%). This variant has not been reported in the literature in individuals affected with ELAC2-related conditions. Algorithms developed to predict the effect of missense changes on protein structure and function (SIFT, PolyPhen-2, Align-GVGD) all suggest that this variant is likely to be tolerated. In summary, the available evidence is currently insufficient to determine the role of this variant in disease. Therefore, it has been classified as a Variant of Uncertain Significance.